The following is an entry in ClinVar:

ClinVar aggregate classification (germline): Benign/Likely benign. Review status: criteria provided, multiple submitters, no conflicts (2 of 4 stars). 4 submissions from 4 submitters: Benign (2); Likely benign (2). Last evaluated 2025-05-16.

Allele frequency attached by ClinVar (database versions not stated): gnomAD exomes 0.00092; ESP Exome Variant Server 0.00100; TOPMed 0.00104; gnomAD 0.00118 and 0.00122; ExAC 0.00130.

Submissions (4):

Labcorp Genetics (formerly Invitae), Labcorp
Classification: Likely benign. Last evaluated: 2025-05-16. Review status: criteria provided, single submitter. Criteria: Invitae Variant Classification Sherloc (09022015). Collection method: clinical testing. Allele origin: germline.

Blueprint Genetics
Classification: Likely benign. Last evaluated: 2024-11-25. Review status: criteria provided, single submitter. Criteria: ACMG Guidelines, 2015. Collection method: clinical testing. Allele origin: germline.

CeGaT Center for Human Genetics Tuebingen
Classification: Benign. Last evaluated: 2022-03-01. Review status: criteria provided, single submitter. Criteria: CeGaT Center For Human Genetics Tuebingen Variant Classification Criteria Version 2. Collection method: clinical testing. Allele origin: germline. Affected: yes. Observed: 1 variant allele.
Comment: EEF2: BS1, BS2

Athena Diagnostics
Classification: Benign. Last evaluated: 2016-08-16. Review status: criteria provided, single submitter. Criteria: Athena Diagnostics Criteria. Collection method: clinical testing. Allele origin: germline.

NM_001961.4(EEF2):c.2415C>T (p.Gly805=)

Gene: EEF2 (eukaryotic translation elongation factor 2; minus strand). Cytogenetic location: 19p13.3.
Variant type: single nucleotide variant.
Coding change: c.2415C>T on transcript NM_001961.4 (MANE Select); coding-DNA position 2415, C replaced by T.
Protein change: p.Gly805=; no amino-acid change (glycine 805 retained).
Molecular consequence: synonymous variant.
Genome position (GRCh38, 1-based): chr19:3,976,716, G>A on the plus strand (C>T on the coding strand, the complement: EEF2 is on the minus strand). VCF-style: chr19-3976716-G-A. GRCh37 (hg19) VCF-style: chr19-3976714-G-A.
Identifiers: ClinVar variation 447299 (VCV000447299.33), dbSNP rs143122141, ClinGen allele CA9088523.